The following is an entry in ClinVar:

NM_005026.5(PIK3CD):c.2944C>T (p.Arg982Trp)

Gene: PIK3CD (phosphatidylinositol-4,5-bisphosphate 3-kinase catalytic subunit delta; plus strand). Cytogenetic location: 1p36.22.
Variant type: single nucleotide variant.
Coding change: c.2944C>T on transcript NM_005026.5 (MANE Select); coding-DNA position 2944, C replaced by T.
Protein change: p.Arg982Trp; replaces arginine 982 with tryptophan.
Molecular consequence: missense variant.
Genome position (GRCh38, 1-based): chr1:9,724,883, C>T. VCF-style: chr1-9724883-C-T. GRCh37 (hg19) VCF-style: chr1-9784941-C-T.
Other names: c.2941C>T, p.Arg981Trp (NM_001350234.2); c.2857C>T, p.Arg953Trp (NM_001350235.1); short protein forms R953W, R981W, R982W.
Identifiers: ClinVar variation 2071507 (VCV002071507.4), dbSNP rs778194087, ClinGen allele CA577685.

ClinVar aggregate classification (germline): Uncertain significance (1 of 4 stars; one submission).

Conditions:
Immunodeficiency 14 (IMD14A). Also called: Activated PI3K Delta Syndrome Type 1 (APDS1); p110-DELTA-ACTIVATING MUTATION CAUSING SENESCENT T CELLS, LYMPHADENOPATHY, AND IMMUNODEFICIENCY; IMMUNODEFICIENCY 14A WITH LYMPHOPROLIFERATION, AUTOSOMAL DOMINANT; ACTIVATED PI3K-DELTA SYNDROME 1. Identifiers: Orphanet 397596, Orphanet 693661, MedGen C5907821, MONDO:0014222, OMIM 615513.

Allele frequency attached by ClinVar (database versions not stated): ExAC 0.00001.
gnomAD v4.1: 20 of 1,613,950 alleles (0.0012%); highest among the groups gnomAD compares: East Asian, 0.0045%; no homozygotes.

Submission:

Labcorp Genetics (formerly Invitae), Labcorp
Classification: Uncertain significance for Activated PI3K-delta syndrome. Last evaluated: 2025-09-30. Review status: criteria provided, single submitter. Criteria: Invitae Variant Classification Sherloc (09022015). Collection method: clinical testing. Allele origin: germline.
Comment: This sequence change replaces arginine, which is basic and polar, with tryptophan, which is neutral and slightly polar, at codon 982 of the PIK3CD protein (p.Arg982Trp). This variant is present in population databases (rs778194087, gnomAD 0.02%). This variant has not been reported in the literature in individuals affected with PIK3CD-related conditions. ClinVar contains an entry for this variant (Variation ID: 2071507). Invitae Evidence Modeling of protein sequence and biophysical properties (such as structural, functional, and spatial information, amino acid conservation, physicochemical variation, residue mobility, and thermodynamic stability) indicates that this missense variant is expected to disrupt PIK3CD protein function with a positive predictive value of 80%. In summary, the available evidence is currently insufficient to determine the role of this variant in disease. Therefore, it has been classified as a Variant of Uncertain Significance.